The following is an entry in ClinVar:

ClinVar aggregate classification (germline): Uncertain significance (1 of 4 stars; one submission).

Allele frequency attached by ClinVar (database versions not stated): gnomAD exomes below 0.00001; TOPMed below 0.00001.
gnomAD v4.1: 1 of 1,590,546 alleles (0.000063%); highest among the groups gnomAD compares: Non-Finnish European, 0.000085%; no homozygotes.

Submission:

Labcorp Genetics (formerly Invitae), Labcorp
Classification: Uncertain significance. Last evaluated: 2024-09-15. Review status: criteria provided, single submitter. Criteria: Invitae Variant Classification Sherloc (09022015). Collection method: clinical testing. Allele origin: germline.
Comment: This sequence change replaces threonine, which is neutral and polar, with methionine, which is neutral and non-polar, at codon 611 of the LTBP4 protein (p.Thr611Met). This variant is not present in population databases (gnomAD no frequency). This variant has not been reported in the literature in individuals affected with LTBP4-related conditions. ClinVar contains an entry for this variant (Variation ID: 1521251). Experimental studies and prediction algorithms are not available or were not evaluated, and the functional significance of this variant is currently unknown. In summary, the available evidence is currently insufficient to determine the role of this variant in disease. Therefore, it has been classified as a Variant of Uncertain Significance.

NM_001042545.2(LTBP4):c.1742C>T (p.Thr581Met)

Gene: LTBP4 (latent transforming growth factor beta binding protein 4; plus strand). Cytogenetic location: 19q13.2.
Variant type: single nucleotide variant.
Coding change: c.1742C>T on transcript NM_001042545.2 (MANE Select); coding-DNA position 1742, C replaced by T.
Protein change: p.Thr581Met; replaces threonine 581 with methionine.
Molecular consequence: missense variant.
Genome position (GRCh38, 1-based): chr19:40,610,589, C>T. VCF-style: chr19-40610589-C-T. GRCh37 (hg19) VCF-style: chr19-41116495-C-T.
Other names: c.1943C>T, p.Thr648Met (NM_001042544.1); c.1832C>T, p.Thr611Met (NM_003573.2); short protein forms T648M, T611M, T581M.
Identifiers: ClinVar variation 1521251 (VCV001521251.6), dbSNP rs1759470088, ClinGen allele CA405937141.
Genomic context (GRCh38, chr19:40,610,589, plus strand): 5'-CAGATGTGGACGAGTGCCACCGCGTGCCGCCGCCGTGTGACCTCGGGCGCTGCGAGAACA[C>T]GCCAGGCAGCTTCCTGTGCGTGTGCCCCGCCGGGTACCAGGCTGCACCGCACGGAGCCAG-3'
Protein context (NP_001036010.1, residues 571-591): PPCDLGRCEN[Thr581Met]PGSFLCVCPA